The following is an entry in ClinVar:

NM_005787.6(ALG3):c.194C>T (p.Ala65Val)

Gene: ALG3 (ALG3 alpha-1,3- mannosyltransferase; minus strand). Cytogenetic location: 3q27.1.
Variant type: single nucleotide variant.
Coding change: c.194C>T on transcript NM_005787.6 (MANE Select); coding-DNA position 194, C replaced by T.
Protein change: p.Ala65Val; replaces alanine 65 with valine.
Molecular consequence: missense variant. On other transcripts: intron variant (1), non-coding transcript variant (1).
Genome position (GRCh38, 1-based): chr3:184,248,747, G>A on the plus strand (C>T on the coding strand, the complement: ALG3 is on the minus strand). VCF-style: chr3-184248747-G-A. GRCh37 (hg19) VCF-style: chr3-183966535-G-A.
Other names: c.194C>T (NM_005787.5); c.52+479C>T (NM_001006941.2); short protein forms A65V.
Identifiers: ClinVar variation 445988 (VCV000445988.4), dbSNP rs1336047164, ClinGen allele CA355424895.

ClinVar aggregate classification (germline): Uncertain significance. Review status: criteria provided, multiple submitters, no conflicts (2 of 4 stars). 2 submissions from 2 submitters: Uncertain significance (2). Last evaluated 2026-01-27.

Allele frequency attached by ClinVar (database versions not stated): gnomAD 0.00001.

Submissions (2):

GeneDx
Classification: Uncertain significance. Last evaluated: 2026-01-27. Review status: criteria provided, single submitter. Criteria: GeneDx Variant Classification Process June 2021. Collection method: clinical testing. Allele origin: germline.
Comment: Not observed at significant frequency in large population cohorts (gnomAD); In silico analysis supports that this missense variant has a deleterious effect on splicing; In silico analysis supports that this missense variant does not alter protein structure/function; Has not been previously published as pathogenic or benign to our knowledge

Center for Pediatric Genomic Medicine, Children's Mercy Hospital and Clinics
Classification: Uncertain significance. Last evaluated: 2017-02-17. Review status: criteria provided, single submitter. Criteria: ACMG Guidelines, 2015. Collection method: clinical testing. Allele origin: germline.